The following is an entry in ClinVar:

NM_004393.6(DAG1):c.-116-291T>C

Gene: DAG1 (dystroglycan 1; plus strand). Cytogenetic location: 3p21.31.
Variant type: single nucleotide variant.
Coding change: c.-116-291T>C on transcript NM_004393.6 (MANE Select); 291 bases into the intron before 116 bases upstream of the start codon, T replaced by C.
Molecular consequence: intron variant.
Genome position (GRCh38, 1-based): chr3:49,510,128, T>C. VCF-style: chr3-49510128-T-C. GRCh37 (hg19) VCF-style: chr3-49547561-T-C.
Other names: c.-116-291T>C (NM_001177643.3, NM_001177644.3, NM_001177634.3 and 8 more transcripts).
Identifiers: ClinVar variation 668114 (VCV000668114.3), dbSNP rs7622302, ClinGen allele CA74517077.

ClinVar aggregate classification (germline): Benign. Review status: criteria provided, multiple submitters, no conflicts (2 of 4 stars). 2 submissions from 2 submitters: Benign (2). Last evaluated 2018-06-14.

Allele frequency attached by ClinVar (database versions not stated): 1000 Genomes Project 0.20048; TOPMed 0.25793; gnomAD 0.28047 and 0.28522; gnomAD exomes 0.28964.
gnomAD v4.1: 116,661 of 407,426 alleles (29%); highest among the groups gnomAD compares: Middle Eastern, 33%; 18,826 homozygotes.

Submissions (2):

GeneDx
Classification: Benign. Last evaluated: 2018-06-14. Review status: criteria provided, single submitter. Criteria: GeneDx Variant Classification (06012015). Collection method: clinical testing. Allele origin: germline. Affected: yes.
Comment: This variant is considered likely benign or benign based on one or more of the following criteria: it is a conservative change, it occurs at a poorly conserved position in the protein, it is predicted to be benign by multiple in silico algorithms, and/or has population frequency not consistent with disease.

Breakthrough Genomics
Classification: Benign. Review status: criteria provided, single submitter. Criteria: ACMG Guidelines, 2015. Collection method: not provided. Allele origin: germline. Inheritance: Autosomal recessive inheritance. Affected: yes.